The following is an entry in ClinVar:

ClinVar aggregate classification (germline): Likely benign. Review status: criteria provided, multiple submitters, no conflicts (2 of 4 stars). 2 submissions from 2 submitters: Likely benign (2). Last evaluated 2026-06-08.

Conditions:
Pheochromocytoma. Also called: MAX-Related Hereditary Paraganglioma-Pheochromocytoma Syndrome. Identifiers: Orphanet 29072, MedGen C0031511, MONDO:0008233, OMIM 171300, HP:0002666.
Hereditary pheochromocytoma and paraganglioma. Also called: Hereditary Paraganglioma-Pheochromocytoma Syndromes; Hereditary pheochromocytoma-paraganglioma; Hereditary paragangliomas and pheochromocytomas. Identifiers: Orphanet 29072, MedGen C4274332, MONDO:0017366.

Allele frequency attached by ClinVar (database versions not stated): gnomAD exomes below 0.00001; gnomAD 0.00002; TOPMed 0.00001.
gnomAD v4.1: 4 of 1,614,032 alleles (0.00025%); highest among the groups gnomAD compares: African/African-American, 0.0053%; no homozygotes.

Submissions (2):

Myriad Genetics, Inc.
Classification: Likely benign for Pheochromocytoma. Last evaluated: 2026-06-08. Review status: criteria provided, single submitter. Criteria: Myriad Autosomal Dominant, Autosomal Recessive and X-Linked Classification Criteria (2023). Collection method: clinical testing. Allele origin: unknown.
Comment: This variant is considered likely benign. This variant is intronic and is not expected to impact mRNA splicing.

Labcorp Genetics (formerly Invitae), Labcorp
Classification: Likely benign for Hereditary pheochromocytoma and paraganglioma. Last evaluated: 2025-10-13. Review status: criteria provided, single submitter. Criteria: Invitae Variant Classification Sherloc (09022015). Collection method: clinical testing. Allele origin: germline.

NM_002382.5(MAX):c.296-18C>T

Gene: MAX (MYC associated transcriptional regulator X; minus strand). Cytogenetic location: 14q23.3.
Variant type: single nucleotide variant.
Coding change: c.296-18C>T on transcript NM_002382.5 (MANE Select); 18 bases into the intron before coding-DNA position 296, C replaced by T.
Molecular consequence: intron variant.
Genome position (GRCh38, 1-based): chr14:65,076,681, G>A on the plus strand (C>T on the coding strand, the complement: MAX is on the minus strand). VCF-style: chr14-65076681-G-A. GRCh37 (hg19) VCF-style: chr14-65543399-G-A.
Other names: c.144+17027C>T (NM_001271069.2); c.171+17027C>T (NM_197957.4); c.269-18C>T (NM_145112.3); c.107-18C>T (NM_001320415.2); c.*85-18C>T (NM_145113.3).
Identifiers: ClinVar variation 1654017 (VCV001654017.9), dbSNP rs908323739, ClinGen allele CA262717190.